The following is an entry in ClinVar:

ClinVar aggregate classification (germline): Likely pathogenic (1 of 4 stars; one submission).

Conditions:
Hereditary spherocytosis type 4. Also called: SLC4A1-Related Spherocytosis. Identifiers: Orphanet 822, MedGen C2675212, MONDO:0012981, OMIM 612653.

Submission:

3billion
Classification: Likely pathogenic for Hereditary spherocytosis type 4. Last evaluated: 2025-12-08. Review status: criteria provided, single submitter. Criteria: ACMG Guidelines, 2015. Collection method: clinical testing. Allele origin: germline. Affected: yes.
Comment: The variant is not observed in the gnomAD v4.1.0 dataset. Predicted Consequence/Location: Frameshift: predicted to result in a loss or disruption of normal protein function through nonsense-mediated decay (NMD) or protein truncation. Multiple pathogenic variants are reported downstream of the variant. Therefore, this variant is classified as Likely pathogenic according to the recommendation of ACMG/AMP guideline.

NM_000342.4(SLC4A1):c.1377del (p.Val461fs)

Gene: SLC4A1 (solute carrier family 4 member 1 (Diego blood group); minus strand). Cytogenetic location: 17q21.31.
Variant type: Deletion.
Coding change: c.1377del on transcript NM_000342.4 (MANE Select); coding-DNA position 1377, one base deleted (G; older notation c.1377delG).
Protein change: p.Val461fs; shifts the reading frame from valine 461.
Molecular consequence: frameshift variant.
Genome position (GRCh38, 1-based): chr17:44,257,713, C deleted on the plus strand (G on the coding strand, the reverse complement: SLC4A1 is on the minus strand). VCF-style (leftmost placement, unchanged base first): chr17-44257712-GC-G. GRCh37 (hg19) VCF-style: chr17-42335080-GC-G.
Other names: short protein forms V461fs.
Identifiers: ClinVar variation 4855054 (VCV004855054.1).